The following is an entry in ClinVar:

NM_001378778.1(MPDZ):c.6131G>A (p.Ser2044Asn)

Gene: MPDZ (multiple PDZ domain crumbs cell polarity complex component; minus strand). Cytogenetic location: 9p23.
Variant type: single nucleotide variant.
Coding change: c.6131G>A on transcript NM_001378778.1 (MANE Select); coding-DNA position 6131, G replaced by A.
Protein change: p.Ser2044Asn; replaces serine 2044 with asparagine.
Molecular consequence: missense variant.
Genome position (GRCh38, 1-based): chr9:13,107,047, C>T on the plus strand (G>A on the coding strand, the complement: MPDZ is on the minus strand). VCF-style: chr9-13107047-C-T. GRCh37 (hg19) VCF-style: chr9-13107046-C-T.
Other names: c.6230G>A, p.Ser2077Asn (NM_001375413.1); c.6032G>A, p.Ser2011Asn (NM_001375416.1, NM_001375417.1, NM_001375418.1 and 1 more transcripts); c.5945G>A, p.Ser1982Asn (NM_001375419.1, NM_001261407.2); c.5921G>A, p.Ser1974Asn (NM_001375420.1, NM_001375421.1, NM_001375422.1 and 2 more transcripts); c.6131G>A, p.Ser2044Asn (NM_001330637.2); c.5834G>A, p.Ser1945Asn (NM_001375425.1, NM_001375426.1); c.5723G>A, p.Ser1908Asn (NM_001375427.1); c.6044G>A, p.Ser2015Asn (NM_003829.5); short protein forms S1945N, S1908N, S1974N, S1982N, S2011N, S2015N, S2044N, S2077N.
Identifiers: ClinVar variation 2081011 (VCV002081011.4), dbSNP rs760036444, ClinGen allele CA4985942.

ClinVar aggregate classification (germline): Uncertain significance (1 of 4 stars; one submission).

Allele frequency attached by ClinVar (database versions not stated): TOPMed 0.00001; ExAC 0.00001.
gnomAD v4.1: 5 of 1,611,370 alleles (0.00031%); highest among the groups gnomAD compares: East Asian, 0.0045%; no homozygotes.

Submission:

Labcorp Genetics (formerly Invitae), Labcorp
Classification: Uncertain significance. Last evaluated: 2022-06-08. Review status: criteria provided, single submitter. Criteria: Invitae Variant Classification Sherloc (09022015). Collection method: clinical testing. Allele origin: germline.
Comment: Algorithms developed to predict the effect of missense changes on protein structure and function are either unavailable or do not agree on the potential impact of this missense change (SIFT: "Deleterious"; PolyPhen-2: "Possibly Damaging"; Align-GVGD: "Class C0"). In summary, the available evidence is currently insufficient to determine the role of this variant in disease. Therefore, it has been classified as a Variant of Uncertain Significance. This variant has not been reported in the literature in individuals affected with MPDZ-related conditions. This variant is present in population databases (rs760036444, gnomAD 0.006%). This sequence change replaces serine, which is neutral and polar, with asparagine, which is neutral and polar, at codon 2015 of the MPDZ protein (p.Ser2015Asn).